The following is an entry in ClinVar:

NM_014956.5(CEP164):c.4091T>A (p.Phe1364Tyr)

Gene: CEP164 (centrosomal protein 164; plus strand). Cytogenetic location: 11q23.3.
Variant type: single nucleotide variant.
Coding change: c.4091T>A on transcript NM_014956.5 (MANE Select); coding-DNA position 4091, T replaced by A.
Protein change: p.Phe1364Tyr; replaces phenylalanine 1364 with tyrosine.
Molecular consequence: missense variant.
Genome position (GRCh38, 1-based): chr11:117,409,960, T>A. VCF-style: chr11-117409960-T-A. GRCh37 (hg19) VCF-style: chr11-117280676-T-A.
Other names: c.4076T>A, p.Phe1359Tyr (NM_001271933.2); c.4091T>A (NM_014956.4); short protein forms F1359Y, F1364Y.
Identifiers: ClinVar variation 1007814 (VCV001007814.9), dbSNP rs143693029, ClinGen allele CA6295664.

ClinVar aggregate classification (germline): Uncertain significance. Review status: criteria provided, multiple submitters, no conflicts (2 of 4 stars). 4 submissions from 4 submitters: Uncertain significance (4). Last evaluated 2026-03-31.

Conditions:
CEP164-related disorder. Also called: CEP164-related condition.
Inborn genetic diseases. Identifiers: MedGen C0950123, MeSH D030342.
Nephronophthisis 15 (NPHP15). Identifiers: Orphanet 3156, MedGen C3541853, MONDO:0013917, OMIM 614845.

Allele frequency attached by ClinVar (database versions not stated): gnomAD exomes 0.00001; gnomAD 0.00006 and 0.00007; ESP Exome Variant Server 0.00008; ExAC 0.00001; TOPMed 0.00010.
gnomAD v4.1: 19 of 1,613,958 alleles (0.0012%); highest among the groups gnomAD compares: African/African-American, 0.025%; no homozygotes.

Submissions (4):

PreventionGenetics, part of Exact Sciences
Classification: Uncertain significance for CEP164-related condition. Last evaluated: 2026-03-31. Review status: criteria provided, single submitter. Criteria: ACMG Guidelines, 2015. Collection method: clinical testing. Allele origin: germline.
Comment: The CEP164 c.4091T>A variant is predicted to result in the amino acid substitution p.Phe1364Tyr. To our knowledge, this variant has not been reported in the literature. This variant is reported in 0.020% of alleles in individuals of African descent in gnomAD. At this time, the clinical significance of this variant is uncertain due to the absence of conclusive functional and genetic evidence.

Ambry Genetics
Classification: Uncertain significance for Inborn genetic diseases. Last evaluated: 2025-10-15. Review status: criteria provided, single submitter. Criteria: Ambry Variant Classification Scheme 2023. Collection method: clinical testing. Allele origin: germline.

Fulgent Genetics
Classification: Uncertain significance for Nephronophthisis 15. Last evaluated: 2021-11-15. Review status: criteria provided, single submitter. Criteria: ACMG Guidelines, 2015. Collection method: clinical testing. Allele origin: unknown.

Labcorp Genetics (formerly Invitae), Labcorp
Classification: Uncertain significance for Nephronophthisis 15. Last evaluated: 2021-09-01. Review status: criteria provided, single submitter. Criteria: Invitae Variant Classification Sherloc (09022015). Collection method: clinical testing. Allele origin: germline.
Comment: This sequence change replaces phenylalanine with tyrosine at codon 1364 of the CEP164 protein (p.Phe1364Tyr). The phenylalanine residue is highly conserved and there is a small physicochemical difference between phenylalanine and tyrosine. This variant is present in population databases (rs143693029, ExAC 0.01%). This variant has not been reported in the literature in individuals affected with CEP164-related conditions. Algorithms developed to predict the effect of missense changes on protein structure and function are either unavailable or do not agree on the potential impact of this missense change (SIFT: "Deleterious"; PolyPhen-2: "Probably Damaging"; Align-GVGD: "Class C0"). In summary, the available evidence is currently insufficient to determine the role of this variant in disease. Therefore, it has been classified as a Variant of Uncertain Significance.